The following is an entry in ClinVar:

ClinVar aggregate classification (germline): Uncertain significance. Review status: criteria provided, multiple submitters, no conflicts (2 of 4 stars). 3 submissions from 3 submitters: Uncertain significance (3). Last evaluated 2023-07-19.

Conditions:
Inborn genetic diseases. Identifiers: MedGen C0950123, MeSH D030342.

Allele frequency attached by ClinVar (database versions not stated): TOPMed 0.00014.
gnomAD v4.1: 408 of 1,488,966 alleles (0.027%); highest among the groups gnomAD compares: Non-Finnish European, 0.035%; no homozygotes.

Submissions (3):

GeneDx
Classification: Uncertain significance. Last evaluated: 2023-07-19. Review status: criteria provided, single submitter. Criteria: GeneDx Variant Classification Process June 2021. Collection method: clinical testing. Allele origin: germline. Affected: yes.
Comment: Has not been previously published as pathogenic or benign to our knowledge; In silico analysis supports that this missense variant does not alter protein structure/function

Ambry Genetics
Classification: Uncertain significance for Inborn genetic diseases. Last evaluated: 2021-06-21. Review status: criteria provided, single submitter. Criteria: Ambry Variant Classification Scheme 2023. Collection method: clinical testing. Allele origin: germline.

Eurofins Ntd Llc (ga)
Classification: Uncertain significance. Last evaluated: 2018-03-28. Review status: criteria provided, single submitter. Criteria: EGL ClinVar v180209 classification definitions. Collection method: clinical testing. Allele origin: germline. Observed: 1 variant allele, 1 heterozygote.

NM_020066.5(FMN2):c.806C>G (p.Thr269Ser)

Gene: FMN2 (formin 2; plus strand). Cytogenetic location: 1q43.
Variant type: single nucleotide variant.
Coding change: c.806C>G on transcript NM_020066.5 (MANE Select); coding-DNA position 806, C replaced by G.
Protein change: p.Thr269Ser; replaces threonine 269 with serine.
Molecular consequence: missense variant.
Genome position (GRCh38, 1-based): chr1:240,092,915, C>G. VCF-style: chr1-240092915-C-G. GRCh37 (hg19) VCF-style: chr1-240256215-C-G.
Other names: c.806C>G, p.Thr269Ser (NM_001305424.2, NM_001348094.2); c.806C>G (NM_020066.4); short protein forms T269S.
Identifiers: ClinVar variation 596770 (VCV000596770.8), dbSNP rs759794039, ClinGen allele CA1476239.